The following is an entry in ClinVar:

NM_001012339.3(DNAJC21):c.1106A>G (p.Asn369Ser)

Gene: DNAJC21 (DnaJ heat shock protein family (Hsp40) member C21; plus strand). Cytogenetic location: 5p13.2.
Variant type: single nucleotide variant.
Coding change: c.1106A>G on transcript NM_001012339.3 (MANE Select); coding-DNA position 1106, A replaced by G.
Protein change: p.Asn369Ser; replaces asparagine 369 with serine.
Molecular consequence: missense variant.
Genome position (GRCh38, 1-based): chr5:34,944,989, A>G. VCF-style: chr5-34944989-A-G. GRCh37 (hg19) VCF-style: chr5-34945094-A-G.
Other names: c.1106A>G, p.Asn369Ser (NM_001348420.2, NM_194283.4); short protein forms N369S.
Identifiers: ClinVar variation 1461475 (VCV001461475.8), dbSNP rs775383282, ClinGen allele CA3228695.

ClinVar aggregate classification (germline): Uncertain significance (1 of 4 stars; one submission).

Allele frequency attached by ClinVar (database versions not stated): ExAC 0.00001; gnomAD exomes 0.00001.
gnomAD v4.1: 7 of 1,613,922 alleles (0.00043%); highest among the groups gnomAD compares: Non-Finnish European, 0.00059%; no homozygotes.

Submission:

Labcorp Genetics (formerly Invitae), Labcorp
Classification: Uncertain significance. Last evaluated: 2020-11-24. Review status: criteria provided, single submitter. Criteria: Invitae Variant Classification Sherloc (09022015). Collection method: clinical testing. Allele origin: germline.
Comment: Algorithms developed to predict the effect of missense changes on protein structure and function output the following: SIFT: "Tolerated"; PolyPhen-2: "Benign"; Align-GVGD: "Class C0". The serine amino acid residue is found in multiple mammalian species, suggesting that this missense change does not adversely affect protein function. These predictions have not been confirmed by published functional studies and their clinical significance is uncertain. This variant has not been reported in the literature in individuals with DNAJC21-related conditions. This variant is present in population databases (rs775383282, ExAC 0.002%). This sequence change replaces asparagine with serine at codon 369 of the DNAJC21 protein (p.Asn369Ser). The asparagine residue is moderately conserved and there is a small physicochemical difference between asparagine and serine. In summary, the available evidence is currently insufficient to determine the role of this variant in disease. Therefore, it has been classified as a Variant of Uncertain Significance.